The following is an entry in ClinVar:

NM_000051.4(ATM):c.451T>C (p.Ser151Pro)

Gene: ATM (ATM serine/threonine kinase; plus strand). Cytogenetic location: 11q22.3.
Variant type: single nucleotide variant.
Coding change: c.451T>C on transcript NM_000051.4 (MANE Select); coding-DNA position 451, T replaced by C.
Protein change: p.Ser151Pro; replaces serine 151 with proline.
Molecular consequence: missense variant.
Genome position (GRCh38, 1-based): chr11:108,235,789, T>C. VCF-style: chr11-108235789-T-C. GRCh37 (hg19) VCF-style: chr11-108106516-T-C.
Other names: c.451T>C, p.Ser151Pro (NM_001351834.2); short protein forms S151P.
Identifiers: ClinVar variation 573074 (VCV000573074.11), dbSNP rs1565357241, ClinGen allele CA382525340.

ClinVar aggregate classification (germline): Uncertain significance. Review status: criteria provided, multiple submitters, no conflicts (2 of 4 stars). 2 submissions from 2 submitters: Uncertain significance (2). Last evaluated 2024-05-29.

Conditions:
Ataxia-telangiectasia syndrome (AT). Also called: AT, COMPLEMENTATION GROUP C; Cerebello-oculocutaneous telangiectasia; Immunodeficiency with ataxia telangiectasia; Ataxia-telangiectasia, complementation group D; ATAXIA-TELANGIECTASIA, FRESNO VARIANT; Ataxia-telangiectasia, complementation group E. Identifiers: Orphanet 100, MedGen C0004135, MONDO:0008840, OMIM 208900.
Hereditary cancer-predisposing syndrome. Also called: Hereditary neoplastic syndrome; Neoplastic Syndromes, Hereditary; Hereditary Cancer Syndrome; Tumor predisposition. Identifiers: Orphanet 140162, MedGen C0027672, MeSH D009386, MONDO:0015356.

Submissions (2):

Labcorp Genetics (formerly Invitae), Labcorp
Classification: Uncertain significance for Ataxia-telangiectasia syndrome. Last evaluated: 2024-05-29. Review status: criteria provided, single submitter. Criteria: Invitae Variant Classification Sherloc (09022015). Collection method: clinical testing. Allele origin: germline.
Comment: This sequence change replaces serine, which is neutral and polar, with proline, which is neutral and non-polar, at codon 151 of the ATM protein (p.Ser151Pro). This variant is not present in population databases (gnomAD no frequency). This variant has not been reported in the literature in individuals affected with ATM-related conditions. ClinVar contains an entry for this variant (Variation ID: 573074). An algorithm developed to predict the effect of missense changes on protein structure and function (PolyPhen-2) suggests that this variant is likely to be disruptive. In summary, the available evidence is currently insufficient to determine the role of this variant in disease. Therefore, it has been classified as a Variant of Uncertain Significance.

Ambry Genetics
Classification: Uncertain significance for Hereditary cancer-predisposing syndrome. Last evaluated: 2021-12-17. Review status: criteria provided, single submitter. Criteria: Ambry Variant Classification Scheme 2023. Collection method: clinical testing. Allele origin: germline.
Comment: The p.S151P variant (also known as c.451T>C), located in coding exon 4 of the ATM gene, results from a T to C substitution at nucleotide position 451. The serine at codon 151 is replaced by proline, an amino acid with similar properties. This amino acid position is highly conserved in available vertebrate species. In addition, the in silico prediction for this alteration is inconclusive. Since supporting evidence is limited at this time, the clinical significance of this alteration remains unclear.